The following is an entry in ClinVar:

NM_004204.5(PIGQ):c.719T>C (p.Leu240Pro)

Gene: PIGQ (phosphatidylinositol glycan anchor biosynthesis class Q; plus strand). Cytogenetic location: 16p13.3.
Variant type: single nucleotide variant.
Coding change: c.719T>C on transcript NM_004204.5 (MANE Select); coding-DNA position 719, T replaced by C.
Protein change: p.Leu240Pro; replaces leucine 240 with proline.
Molecular consequence: missense variant.
Genome position (GRCh38, 1-based): chr16:575,868, T>C. VCF-style: chr16-575868-T-C. GRCh37 (hg19) VCF-style: chr16-625868-T-C.
Other names: c.719T>C, p.Leu240Pro (NM_148920.4); short protein forms L240P.
Identifiers: ClinVar variation 1008394 (VCV001008394.6), dbSNP rs1265303263, ClinGen allele CA394051600.

ClinVar aggregate classification (germline): Uncertain significance (1 of 4 stars; one submission).

Conditions:
Epilepsy. Also called: Seizure disorder. Identifiers: MedGen C0014544, MeSH D004827, MONDO:0005027.

Submission:

Labcorp Genetics (formerly Invitae), Labcorp
Classification: Uncertain significance for Epilepsy. Last evaluated: 2021-08-30. Review status: criteria provided, single submitter. Criteria: Invitae Variant Classification Sherloc (09022015). Collection method: clinical testing. Allele origin: germline.
Comment: This sequence change replaces leucine with proline at codon 240 of the PIGQ protein (p.Leu240Pro). The leucine residue is weakly conserved and there is a moderate physicochemical difference between leucine and proline. This variant is not present in population databases (ExAC no frequency). This variant has not been reported in the literature in individuals affected with PIGQ-related conditions. Algorithms developed to predict the effect of missense changes on protein structure and function are either unavailable or do not agree on the potential impact of this missense change (SIFT: "Deleterious"; PolyPhen-2: "Possibly Damaging"; Align-GVGD: "Class C0"). In summary, the available evidence is currently insufficient to determine the role of this variant in disease. Therefore, it has been classified as a Variant of Uncertain Significance.